The following is an entry in ClinVar:

ClinVar aggregate classification (germline): Uncertain significance. Review status: criteria provided, single submitter (1 of 4 stars). 2 submissions from 2 submitters: Uncertain significance (1). 1 of the submissions does not count toward it. Last evaluated 2025-04-23.

Conditions:
IL10-related early-onset inflammatory bowel disease. Also called: Immune dysregulation-inflammatory bowel disease-arthritis-recurrent infections syndrome; Autosomal recessive early-onset inflammatory bowel disease. Identifiers: Orphanet 238569, MedGen C4749850, MONDO:0016542.
Inborn error of immunity. Also called: Inborn errors of immunity; Primary immunodeficiency. Identifiers: Orphanet 101997, MedGen C0398686, MONDO:0003778.

Allele frequency attached by ClinVar (database versions not stated): TOPMed below 0.00001; ExAC 0.00001; gnomAD exomes 0.00001.
gnomAD v4.1: 8 of 1,613,998 alleles (0.0005%); highest among the groups gnomAD compares: Non-Finnish European, 0.00068%; no homozygotes.

Submissions (2):

Labcorp Genetics (formerly Invitae), Labcorp
Classification: Uncertain significance. Last evaluated: 2025-04-23. Review status: criteria provided, single submitter. Criteria: Invitae Variant Classification Sherloc (09022015). Collection method: clinical testing. Allele origin: germline.
Comment: This sequence change replaces isoleucine, which is neutral and non-polar, with threonine, which is neutral and polar, at codon 615 of the RIPK1 protein (p.Ile615Thr). This variant is present in population databases (rs752183065, gnomAD 0.002%). This missense change has been observed in individual(s) with RIPK1-related conditions (PMID: 30591564). ClinVar contains an entry for this variant (Variation ID: 598787). An algorithm developed to predict the effect of missense changes on protein structure and function (PolyPhen-2) suggests that this variant is likely to be disruptive. Experimental studies have shown that this missense change affects RIPK1 function (PMID: 30591564). In summary, the available evidence is currently insufficient to determine the role of this variant in disease. Therefore, it has been classified as a Variant of Uncertain Significance.

Klein lab, Ludwig-Maximilians-University
Classification: Pathogenic for Immune dysregulation-inflammatory bowel disease-arthritis-recurrent infections syndrome; Primary immunodeficiency. Review status: no assertion criteria provided. Collection method: research. Allele origin: germline. Affected: yes. Observed: 1 variant allele. Not counted in ClinVar's aggregate classification.

Literature cited by the submitters: PubMed 30591564 (cited by Labcorp Genetics (formerly Invitae), Labcorp and Klein lab, Ludwig-Maximilians-University).

NM_001354930.2(RIPK1):c.1844T>C (p.Ile615Thr)

Gene: RIPK1 (receptor interacting serine/threonine kinase 1; plus strand). Cytogenetic location: 6p25.2.
Variant type: single nucleotide variant.
Coding change: c.1844T>C on transcript NM_001354930.2 (MANE Select); coding-DNA position 1844, T replaced by C.
Protein change: p.Ile615Thr; replaces isoleucine 615 with threonine.
Molecular consequence: missense variant.
Genome position (GRCh38, 1-based): chr6:3,113,167, T>C. VCF-style: chr6-3113167-T-C. GRCh37 (hg19) VCF-style: chr6-3113401-T-C.
Other names: c.1355T>C, p.Ile452Thr (NM_001317061.3, NM_001354932.2, NM_001354933.2 and 1 more transcripts); c.1706T>C, p.Ile569Thr (NM_001354931.2); c.1844T>C, p.Ile615Thr (NM_003804.6); short protein forms I615T, I452T, I569T.
Identifiers: ClinVar variation 598787 (VCV000598787.3), dbSNP rs752183065, ClinGen allele CA3618528.
Genomic context (GRCh38, chr6:3,113,167, plus strand): 5'-GAAAGCACTGGAAAAACTGTGCCCGTAAACTGGGCTTCACACAGTCTCAGATTGATGAAA[T>C]TGACCATGACTATGAGCGAGATGGACTGAAAGAAAAGGTTTACCAGATGCTCCAAAAGTG-3'
Protein context (NP_001341859.1, residues 605-625): LGFTQSQIDE[Ile615Thr]DHDYERDGLK